The following is an entry in ClinVar:

NM_000138.5(FBN1):c.5597T>C (p.Ile1866Thr)

Gene: FBN1 (fibrillin 1; minus strand). Cytogenetic location: 15q21.1.
Variant type: single nucleotide variant.
Coding change: c.5597T>C on transcript NM_000138.5 (MANE Select); coding-DNA position 5597, T replaced by C.
Protein change: p.Ile1866Thr; replaces isoleucine 1866 with threonine.
Molecular consequence: missense variant.
Genome position (GRCh38, 1-based): chr15:48,448,842, A>G on the plus strand (T>C on the coding strand, the complement: FBN1 is on the minus strand). VCF-style: chr15-48448842-A-G. GRCh37 (hg19) VCF-style: chr15-48741039-A-G.
Other names: short protein forms I1866T.
Identifiers: ClinVar variation 925188 (VCV000925188.6), dbSNP rs773133679, ClinGen allele CA055276.

ClinVar aggregate classification (germline): Conflicting classifications of pathogenicity. Review status: criteria provided, conflicting classifications (1 of 4 stars). 2 submissions from 2 submitters: Uncertain significance (1); Likely benign (1). Last evaluated 2023-01-24.

Conditions:
Familial thoracic aortic aneurysm and aortic dissection (TAAD). Also called: Thoracic aortic aneurysms and dissections. Identifiers: Orphanet 91387, MedGen C4707243, MONDO:0019625.
Marfan syndrome (MFS). Also called: Marfan syndrome, classic; Marfan syndrome type 1; Marfan's syndrome; FBN1-Related Marfan Syndrome; MARFAN SYNDROME, TYPE I. Identifiers: Orphanet 284963, Orphanet 558, MedGen C0024796, MONDO:0007947, OMIM 154700.

Allele frequency attached by ClinVar (database versions not stated): gnomAD exomes below 0.00001; ExAC 0.00001.
gnomAD v4.1: 2 of 1,612,560 alleles (0.00012%); highest among the groups gnomAD compares: Admixed American, 0.0017%; no homozygotes.

Submissions (2):

Labcorp Genetics (formerly Invitae), Labcorp
Classification: Likely benign for Marfan syndrome; Familial thoracic aortic aneurysm and aortic dissection. Last evaluated: 2023-01-24. Review status: criteria provided, single submitter. Criteria: Invitae Variant Classification Sherloc (09022015). Collection method: clinical testing. Allele origin: germline.

Color Diagnostics, LLC DBA Color Health
Classification: Uncertain significance for Familial thoracic aortic aneurysm and aortic dissection. Last evaluated: 2019-01-08. Review status: criteria provided, single submitter. Criteria: ACMG Guidelines, 2015. Collection method: clinical testing. Allele origin: germline.
Comment: Variant of Uncertain Significance due to insufficient evidence: This missense variant is located in the calcium-binding EGF-like motif 31 of the FBN1 protein. Computational prediction tools and conservation analyses are inconclusive regarding the impact of this variant on the protein function. Computational splicing tools suggest that this variant may not impact RNA splicing. To our knowledge, functional assays have not been performed for this variant nor has this variant been reported in individuals affected with cardiovascular disorders in the literature. This variant has been identified in 1/245710 chromosomes in the general population by the Genome Aggregation Database (gnomAD). Available evidence is insufficient to determine the role of this variant in disease conclusively.